The following is an entry in ClinVar:

NM_000051.4(ATM):c.8233A>T (p.Thr2745Ser)

Genes: ATM (ATM serine/threonine kinase; plus strand), C11orf65 (chromosome 11 open reading frame 65; minus strand). Cytogenetic location: 11q22.3.
Variant type: single nucleotide variant.
Coding change: c.8233A>T on transcript NM_000051.4 (MANE Select); coding-DNA position 8233, A replaced by T.
Protein change: p.Thr2745Ser; replaces threonine 2745 with serine.
Molecular consequence: missense variant. On other transcripts: intron variant (2).
Genome position (GRCh38, 1-based): chr11:108,335,926, A>T. VCF-style: chr11-108335926-A-T. GRCh37 (hg19) VCF-style: chr11-108206653-A-T.
Other names: c.8233A>T, p.Thr2745Ser (NM_001351834.2); c.641-26855T>A (NM_001330368.2); c.695-634T>A (NM_001351110.2); short protein forms T2745S.
Identifiers: ClinVar variation 3692710 (VCV003692710.2).
Genomic context (GRCh38, chr11:108,335,926, plus strand): 5'-GATGCTGTCATGCAACAGGTCTTCCAGATGTGTAATACATTACTGCAGAGAAACACGGAA[A>T]CTAGGAAGAGGAAATTAACTATCTGTACTTATAAGGTAACTATTTGTACTTCTGTTAGTT-3'
Protein context (NP_000042.3, residues 2735-2755): CNTLLQRNTE[Thr2745Ser]RKRKLTICTY

ClinVar aggregate classification (germline): Uncertain significance (1 of 4 stars; one submission).

Conditions:
Ataxia-telangiectasia syndrome (AT). Also called: Ataxia-telangiectasia, complementation group D; AT, COMPLEMENTATION GROUP C; ATAXIA-TELANGIECTASIA, COMPLEMENTATION GROUP A; ATAXIA-TELANGIECTASIA, FRESNO VARIANT; Ataxia-telangiectasia; Ataxia-telangiectasia, complementation group E. Identifiers: Orphanet 100, MedGen C0004135, MONDO:0008840, OMIM 208900.

Submission:

Labcorp Genetics (formerly Invitae), Labcorp
Classification: Uncertain significance for Ataxia-telangiectasia syndrome. Last evaluated: 2024-03-14. Review status: criteria provided, single submitter. Criteria: Invitae Variant Classification Sherloc (09022015). Collection method: clinical testing. Allele origin: germline.
Comment: This sequence change replaces threonine, which is neutral and polar, with serine, which is neutral and polar, at codon 2745 of the ATM protein (p.Thr2745Ser). This variant is not present in population databases (gnomAD no frequency). This variant has not been reported in the literature in individuals affected with ATM-related conditions. An algorithm developed to predict the effect of missense changes on protein structure and function (PolyPhen-2) suggests that this variant is likely to be disruptive. In summary, the available evidence is currently insufficient to determine the role of this variant in disease. Therefore, it has been classified as a Variant of Uncertain Significance.